The following is an entry in ClinVar:

NM_000360.4(TH):c.674C>T (p.Thr225Ile)

Gene: TH (tyrosine hydroxylase; minus strand). Cytogenetic location: 11p15.5.
Variant type: single nucleotide variant.
Coding change: c.674C>T on transcript NM_000360.4 (MANE Select); coding-DNA position 674, C replaced by T.
Protein change: p.Thr225Ile; replaces threonine 225 with isoleucine.
Molecular consequence: missense variant.
Genome position (GRCh38, 1-based): chr11:2,167,456, G>A on the plus strand (C>T on the coding strand, the complement: TH is on the minus strand). VCF-style: chr11-2167456-G-A. GRCh37 (hg19) VCF-style: chr11-2188686-G-A.
Other names: c.767C>T, p.Thr256Ile (NM_199292.3); c.755C>T, p.Thr252Ile (NM_199293.3); short protein forms T225I, T252I, T256I.
Identifiers: ClinVar variation 3776190 (VCV003776190.1).

ClinVar aggregate classification (germline): Uncertain significance (1 of 4 stars; one submission).

Conditions:
TH-deficient dopa-responsive dystonia. Also called: Tyrosine Hydroxylase-Deficient Dopa-Responsive Dystonia; Segawa syndrome, autosomal recessive; DYT-TH. Identifiers: Orphanet 101150, MedGen C2673535, MONDO:0011551, OMIM 605407.

gnomAD v4.1: 2 of 1,563,978 alleles (0.00013%); highest among the groups gnomAD compares: South Asian, 0.0012%; no homozygotes.

Submission:

3billion
Classification: Uncertain significance for TH-deficient dopa-responsive dystonia. Last evaluated: 2023-10-23. Review status: criteria provided, single submitter. Criteria: ACMG Guidelines, 2015. Collection method: clinical testing. Allele origin: germline. Affected: yes.
Comment: The variant is not observed in the gnomAD v2.1.1 dataset. Predicted Consequence/Location: The majority of the known disease-causing variants of this gene are variants expected to result in premature termination of the protein. Premature termination of the protein is a common disease-causing mechanism for this gene. In silico tool predictions suggest damaging effect of the variant on gene or gene product [REVEL: 0.83 (>=0.6, sensitivity 0.68 and specificity 0.92); 3Cnet: 0.62 (>=0.6, sensitivity 0.72 and precision 0.9)]. Same nucleotide change resulting in same amino acid change has been previously reported to be associated with TH related disorder (PMID: 32185155). However, the evidence of pathogenicity is insufficient at this time. Therefore, this variant is classified as VUS according to the recommendation of ACMG/AMP guideline.

Literature cited by the submitters: PubMed 32185155.